The following is an entry in ClinVar:

NM_001042492.3(NF1):c.8324A>T (p.Asn2775Ile)

Gene: NF1 (neurofibromin 1; plus strand). Cytogenetic location: 17q11.2.
Variant type: single nucleotide variant.
Coding change: c.8324A>T on transcript NM_001042492.3 (MANE Select); coding-DNA position 8324, A replaced by T.
Protein change: p.Asn2775Ile; replaces asparagine 2775 with isoleucine.
Molecular consequence: missense variant.
Genome position (GRCh38, 1-based): chr17:31,360,650, A>T. VCF-style: chr17-31360650-A-T. GRCh37 (hg19) VCF-style: chr17-29687668-A-T.
Other names: c.8261A>T, p.Asn2754Ile (NM_000267.4); short protein forms N2754I, N2775I.
Identifiers: ClinVar variation 1762673 (VCV001762673.2), dbSNP rs772090874, ClinGen allele CA399204962.

ClinVar aggregate classification (germline): Uncertain significance (1 of 4 stars; one submission).

Conditions:
Cardiovascular phenotype. Identifiers: MedGen CN230736.
Hereditary cancer-predisposing syndrome. Also called: Neoplastic Syndromes, Hereditary; Tumor predisposition; Hereditary Cancer Syndrome; Hereditary neoplastic syndrome. Identifiers: Orphanet 140162, MedGen C0027672, MeSH D009386, MONDO:0015356.

Submission:

Ambry Genetics
Classification: Uncertain significance for Cardiovascular phenotype; Hereditary cancer-predisposing syndrome. Last evaluated: 2020-12-11. Review status: criteria provided, single submitter. Criteria: Ambry Variant Classification Scheme 2023. Collection method: clinical testing. Allele origin: germline.
Comment: The p.N2754I variant (also known as c.8261A>T), located in coding exon 56 of the NF1 gene, results from an A to T substitution at nucleotide position 8261. The asparagine at codon 2754 is replaced by isoleucine, an amino acid with dissimilar properties. This amino acid position is highly conserved in available vertebrate species. In addition, this alteration is predicted to be tolerated by in silico analysis. Since supporting evidence is limited at this time, the clinical significance of this alteration remains unclear.